The following is an entry in ClinVar:

NM_001365276.2(TNXB):c.12115G>T (p.Gly4039Cys)

Genes: TNXB (tenascin XB; minus strand), LOC106780803 (tenascin XB recombination region; plus strand). Cytogenetic location: 6p21.33.
Variant type: single nucleotide variant.
Coding change: c.12115G>T on transcript NM_001365276.2 (MANE Select); coding-DNA position 12115, G replaced by T.
Protein change: p.Gly4039Cys; replaces glycine 4039 with cysteine.
Molecular consequence: missense variant.
Genome position (GRCh38, 1-based): chr6:32,042,550, C>A on the plus strand (G>T on the coding strand, the complement: TNXB is on the minus strand). VCF-style: chr6-32042550-C-A. GRCh37 (hg19) VCF-style: chr6-32010327-C-A.
Other names: p.Gly4037Cys; c.12856G>T, p.Gly4286Cys (NM_001428335.1); c.12109G>T, p.Gly4037Cys (NM_019105.8); c.1402G>T, p.Gly468Cys (NM_032470.4); c.12109G>T (NM_019105.6); short protein forms G4037C, G4039C, G4286C, G468C.
Identifiers: ClinVar variation 4534206 (VCV004534206.6).

ClinVar aggregate classification (germline): Uncertain significance. Review status: criteria provided, multiple submitters, no conflicts (2 of 4 stars). 3 submissions from 3 submitters: Uncertain significance (3). Last evaluated 2025-11-01.

Conditions:
Cardiovascular phenotype. Identifiers: MedGen CN230736.

gnomAD v4.1: 66 of 1,609,806 alleles (0.0041%); highest among the groups gnomAD compares: Non-Finnish European, 0.0048%; no homozygotes.

Submissions (3):

CeGaT Center for Human Genetics Tuebingen
Classification: Uncertain significance. Last evaluated: 2025-11-01. Review status: criteria provided, single submitter. Criteria: CeGaT Center For Human Genetics Tuebingen Variant Classification Criteria Version 2. Collection method: clinical testing. Allele origin: germline. Affected: yes. Observed: 1 variant allele.
Comment: TNXB: PM2, BP4

Ambry Genetics
Classification: Uncertain significance for Cardiovascular phenotype. Last evaluated: 2025-10-23. Review status: criteria provided, single submitter. Criteria: Ambry Variant Classification Scheme 2023. Collection method: clinical testing. Allele origin: germline.

Mayo Clinic Laboratories, Mayo Clinic
Classification: Uncertain significance. Last evaluated: 2025-04-16. Review status: criteria provided, single submitter. Criteria: ACMG Guidelines, 2015. Collection method: clinical testing. Allele origin: germline. Observed: 1 variant allele.
Comment: PM2_supporting